The following is an entry in ClinVar:

ClinVar aggregate classification (germline): Benign. Review status: criteria provided, multiple submitters, no conflicts (2 of 4 stars). 6 submissions from 6 submitters: Benign (5). 1 of the submissions does not count toward it. Last evaluated 2026-02-04.

Conditions:
NUP85-related disorder. Also called: NUP85-related condition.
Nephrotic syndrome, type 17. Identifiers: MedGen C4748545, MONDO:0032580, OMIM 618176.

Allele frequency attached by ClinVar (database versions not stated): 1000 Genomes Project 30x 0.86165; 1000 Genomes Project 0.86901; TOPMed 0.90351; gnomAD 0.91158 and 0.91371; ESP Exome Variant Server 0.91289; ExAC 0.95580; gnomAD exomes 0.95924 and 0.98409.
gnomAD v4.1: 1,576,923 of 1,614,130 alleles (98%); highest among the groups gnomAD compares: Non-Finnish European, 100%; 773,316 homozygotes.

Submissions (6):

Labcorp Genetics (formerly Invitae), Labcorp
Classification: Benign. Last evaluated: 2026-02-04. Review status: criteria provided, single submitter. Criteria: Invitae Variant Classification Sherloc (09022015). Collection method: clinical testing. Allele origin: germline.

Blueprint Genetics
Classification: Benign. Last evaluated: 2024-11-28. Review status: criteria provided, single submitter. Criteria: ACMG Guidelines, 2015. Collection method: clinical testing. Allele origin: germline.

Mayo Clinic Laboratories, Mayo Clinic
Classification: Benign. Last evaluated: 2022-03-09. Review status: criteria provided, single submitter. Criteria: ACMG Guidelines, 2015. Collection method: clinical testing. Allele origin: germline. Observed: 146 variant alleles.

Genome-Nilou Lab
Classification: Benign for Nephrotic syndrome, type 17. Last evaluated: 2021-09-05. Review status: criteria provided, single submitter. Criteria: ACMG Guidelines, 2015. Collection method: clinical testing. Allele origin: germline. Affected: no.

Breakthrough Genomics
Classification: Benign. Review status: criteria provided, single submitter. Criteria: ACMG Guidelines, 2015. Collection method: not provided. Allele origin: germline. Inheritance: Autosomal recessive inheritance. Affected: yes.

PreventionGenetics, part of Exact Sciences
Classification: Benign for NUP85-related condition. Last evaluated: 2019-07-18. Review status: no assertion criteria provided. Collection method: clinical testing. Allele origin: germline. Not counted in ClinVar's aggregate classification.
Comment: This variant is classified as benign based on ACMG/AMP sequence variant interpretation guidelines (Richards et al. 2015 PMID: 25741868, with internal and published modifications).

NM_024844.5(NUP85):c.735C>T (p.Pro245=)

Gene: NUP85 (nucleoporin 85; plus strand). Cytogenetic location: 17q25.1.
Variant type: single nucleotide variant.
Coding change: c.735C>T on transcript NM_024844.5 (MANE Select); coding-DNA position 735, C replaced by T.
Protein change: p.Pro245=; no amino-acid change (proline 245 retained).
Molecular consequence: synonymous variant.
Genome position (GRCh38, 1-based): chr17:75,225,344, C>T. VCF-style: chr17-75225344-C-T. GRCh37 (hg19) VCF-style: chr17-73221439-C-T.
Other names: p.Pro245=; c.597C>T, p.Pro199= (NM_001303276.2); c.600C>T, p.Pro200= (NM_001330472.2); c.735C>T (NM_024844.4).
Identifiers: ClinVar variation 1327039 (VCV001327039.15), dbSNP rs2291029, ClinGen allele CA8758601.